The following is an entry in ClinVar:

NM_003737.4(DCHS1):c.8465T>A (p.Val2822Glu)

Gene: DCHS1 (dachsous cadherin-related 1; minus strand). Cytogenetic location: 11p15.4.
Variant type: single nucleotide variant.
Coding change: c.8465T>A on transcript NM_003737.4 (MANE Select); coding-DNA position 8465, T replaced by A.
Protein change: p.Val2822Glu; replaces valine 2822 with glutamic acid.
Molecular consequence: missense variant.
Genome position (GRCh38, 1-based): chr11:6,623,211, A>T on the plus strand (T>A on the coding strand, the complement: DCHS1 is on the minus strand). VCF-style: chr11-6623211-A-T. GRCh37 (hg19) VCF-style: chr11-6644442-A-T.
Other names: short protein forms V2822E.
Identifiers: ClinVar variation 3378372 (VCV003378372.1).

ClinVar aggregate classification (germline): Uncertain significance (1 of 4 stars; one submission).

Submission:

GeneDx
Classification: Uncertain significance. Last evaluated: 2024-05-16. Review status: criteria provided, single submitter. Criteria: GeneDx Variant Classification Process June 2021. Collection method: clinical testing. Allele origin: germline. Affected: yes.
Comment: Not observed at significant frequency in large population cohorts (gnomAD); In silico analysis supports that this missense variant has a deleterious effect on protein structure/function; Has not been previously published as pathogenic or benign to our knowledge.